The following is an entry in ClinVar:

ClinVar aggregate classification (germline): Uncertain significance. Review status: criteria provided, multiple submitters, no conflicts (2 of 4 stars). 3 submissions from 3 submitters: Uncertain significance (3). Last evaluated 2025-09-08.

Conditions:
Autosomal dominant nonsyndromic hearing loss 65. Also called: Deafness, autosomal dominant 65; TBC1D24-Related Autosomal Dominant Nonsyndromic Hearing Loss (DFNA). Identifiers: Orphanet 90635, MedGen C3892048, MONDO:0014470, OMIM 616044.
Developmental and epileptic encephalopathy, 1 (DEE1). Also called: Epileptic encephalopathy, early infantile, 1; X-linked infantile spasms; West's syndrome; Tonic spasms with clustering, arrest of psychomotor development and hypsarrhythmia on EEG; X-Linked Infantile Spasm Syndrome; OHTAHARA SYNDROME, X-LINKED. Identifiers: MedGen C3463992, MONDO:0010632, OMIM 308350. Disease mechanism: loss of function.
Inborn genetic diseases. Identifiers: MedGen C0950123, MeSH D030342.

Allele frequency attached by ClinVar (database versions not stated): 1000 Genomes Project 0.00020; TOPMed below 0.00001; ExAC 0.00007; 1000 Genomes Project 30x 0.00016; gnomAD 0.00001; gnomAD exomes 0.00003 and 0.00001.
gnomAD v4.1: 11 of 1,608,054 alleles (0.00068%); highest among the groups gnomAD compares: East Asian, 0.02%; no homozygotes.

Submissions (3):

Labcorp Genetics (formerly Invitae), Labcorp
Classification: Uncertain significance for Developmental and epileptic encephalopathy, 1; Autosomal dominant nonsyndromic hearing loss 65. Last evaluated: 2025-09-08. Review status: criteria provided, single submitter. Criteria: Invitae Variant Classification Sherloc (09022015). Collection method: clinical testing. Allele origin: germline.
Comment: This sequence change replaces arginine, which is basic and polar, with histidine, which is basic and polar, at codon 441 of the TBC1D24 protein (p.Arg441His). This variant is present in population databases (rs556865791, gnomAD 0.04%). This variant has not been reported in the literature in individuals affected with TBC1D24-related conditions. ClinVar contains an entry for this variant (Variation ID: 570270). Invitae Evidence Modeling of protein sequence and biophysical properties (such as structural, functional, and spatial information, amino acid conservation, physicochemical variation, residue mobility, and thermodynamic stability) has been performed for this missense variant. However, the output from this modeling did not meet the statistical confidence thresholds required to predict the impact of this variant on TBC1D24 protein function. In summary, the available evidence is currently insufficient to determine the role of this variant in disease. Therefore, it has been classified as a Variant of Uncertain Significance.

GeneDx
Classification: Uncertain significance. Last evaluated: 2024-05-18. Review status: criteria provided, single submitter. Criteria: GeneDx Variant Classification Process June 2021. Collection method: clinical testing. Allele origin: germline. Affected: yes.
Comment: In silico analysis supports that this missense variant has a deleterious effect on protein structure/function; Previously reported in the heterozygous state in a proband with early onset epileptic encephalopathy; however a de novo variant in a different gene was also identified and thought to be the causative variant (Jang et al., 2022; Lab Med Online.); This variant is associated with the following publications: (PMID: Jang2022[article])

Ambry Genetics
Classification: Uncertain significance for Inborn genetic diseases. Last evaluated: 2018-11-17. Review status: criteria provided, single submitter. Criteria: Ambry Variant Classification Scheme 2023. Collection method: clinical testing. Allele origin: germline.
Comment: The p.R441H variant (also known as c.1322G>A), located in coding exon 6 of the TBC1D24 gene, results from a G to A substitution at nucleotide position 1322. The arginine at codon 441 is replaced by histidine, an amino acid with highly similar properties. This amino acid position is highly conserved in available vertebrate species. In addition, this alteration is predicted to be tolerated by in silico analysis. Since supporting evidence is limited at this time, the clinical significance of this alteration remains unclear.

NM_001199107.2(TBC1D24):c.1322G>A (p.Arg441His)

Gene: TBC1D24 (TBC1 domain family member 24; plus strand). Cytogenetic location: 16p13.3.
Variant type: single nucleotide variant.
Coding change: c.1322G>A on transcript NM_001199107.2 (MANE Select); coding-DNA position 1322, G replaced by A.
Protein change: p.Arg441His; replaces arginine 441 with histidine.
Molecular consequence: missense variant.
Genome position (GRCh38, 1-based): chr16:2,500,287, G>A. VCF-style: chr16-2500287-G-A. GRCh37 (hg19) VCF-style: chr16-2550288-G-A.
Other names: c.1304G>A, p.Arg435His (NM_020705.3); short protein forms R441H, R435H.
Identifiers: ClinVar variation 570270 (VCV000570270.16), dbSNP rs556865791, ClinGen allele CA7844271.
Genomic context (GRCh38, chr16:2,500,287, plus strand): 5'-GAACGCCCGCGCCAGCTCCTCACACTCCCCTTCCACCCCAGCTGCAGCCTGAGGTGCAGC[G>A]CTACGAGTGGGTGGTGATCAAGCACCCCGAGCTGACCAAGCCCCCACCCTTGATGGCTGC-3'
Protein context (NP_001186036.1, residues 431-451): FVFRLQPEVQ[Arg441His]YEWVVIKHPE